The following is an entry in ClinVar:

ClinVar aggregate classification (germline): Likely benign. Review status: criteria provided, multiple submitters, no conflicts (2 of 4 stars). 2 submissions from 2 submitters: Likely benign (2). Last evaluated 2026-04-01.

Allele frequency attached by ClinVar (database versions not stated): TOPMed 0.00001; ExAC 0.00002; gnomAD 0.00002.
gnomAD v4.1: 13 of 1,598,100 alleles (0.00081%); highest among the groups gnomAD compares: Admixed American, 0.0053%; no homozygotes.

Submissions (2):

CeGaT Center for Human Genetics Tuebingen
Classification: Likely benign. Last evaluated: 2026-04-01. Review status: criteria provided, single submitter. Criteria: CeGaT Center For Human Genetics Tuebingen Variant Classification Criteria Version 2. Collection method: clinical testing. Allele origin: germline. Affected: yes. Observed: 1 variant allele.
Comment: SON: BS2

Labcorp Genetics (formerly Invitae), Labcorp
Classification: Likely benign. Last evaluated: 2024-12-02. Review status: criteria provided, single submitter. Criteria: Invitae Variant Classification Sherloc (09022015). Collection method: clinical testing. Allele origin: germline.

NM_138927.4(SON):c.383A>T (p.Lys128Ile)

Gene: SON (SON DNA and RNA binding protein; plus strand). Cytogenetic location: 21q22.11.
Variant type: single nucleotide variant.
Coding change: c.383A>T on transcript NM_138927.4 (MANE Select); coding-DNA position 383, A replaced by T.
Protein change: p.Lys128Ile; replaces lysine 128 with isoleucine.
Molecular consequence: missense variant. On other transcripts: non-coding transcript variant (1), intron variant (1).
Genome position (GRCh38, 1-based): chr21:33,549,614, A>T. VCF-style: chr21-33549614-A-T. GRCh37 (hg19) VCF-style: chr21-34921920-A-T.
Other names: c.383A>T, p.Lys128Ile (NM_001291411.2, NM_001412133.1, NM_032195.3 and 2 more transcripts); c.244+3235A>T (NM_001291412.3); short protein forms K128I.
Identifiers: ClinVar variation 1898521 (VCV001898521.7), dbSNP rs748426205, ClinGen allele CA10008662.